The following is an entry in ClinVar:

ClinVar aggregate classification (germline): Conflicting classifications of pathogenicity. Review status: criteria provided, conflicting classifications (1 of 4 stars). 2 submissions from 2 submitters: Uncertain significance (1); Likely benign (1). Last evaluated 2025-12-18.

Conditions:
Retinal dystrophy. Also called: Inherited retinal dystrophy. Identifiers: Orphanet 71862, MedGen C0854723, MeSH D058499, MONDO:0019118, HP:0000556.

Allele frequency attached by ClinVar (database versions not stated): TOPMed 0.00018; 1000 Genomes Project 0.00040; ESP Exome Variant Server 0.00040; 1000 Genomes Project 30x 0.00062.

Submissions (2):

Labcorp Genetics (formerly Invitae), Labcorp
Classification: Uncertain significance. Last evaluated: 2025-12-18. Review status: criteria provided, single submitter. Criteria: Invitae Variant Classification Sherloc (09022015). Collection method: clinical testing. Allele origin: germline.
Comment: This sequence change replaces arginine, which is basic and polar, with glutamine, which is neutral and polar, at codon 157 of the FSCN2 protein (p.Arg157Gln). This variant is present in population databases (rs199574936, gnomAD 0.03%). This variant has not been reported in the literature in individuals affected with FSCN2-related conditions. ClinVar contains an entry for this variant (Variation ID: 939328). An algorithm developed to predict the effect of missense changes on protein structure and function outputs the following: PolyPhen-2: "Benign". The glutamine amino acid residue is found in multiple mammalian species, which suggests that this missense change does not adversely affect protein function. In summary, the available evidence is currently insufficient to determine the role of this variant in disease. Therefore, it has been classified as a Variant of Uncertain Significance.

Dept Of Ophthalmology, Nagoya University
Classification: Likely benign for Retinal dystrophy. Last evaluated: 2023-10-01. Review status: criteria provided, single submitter. Criteria: Submitter's publication. Collection method: research. Allele origin: germline. Affected: yes.

NM_012418.4(FSCN2):c.470G>A (p.Arg157Gln)

Gene: FSCN2 (fascin actin-bundling protein 2, retinal; plus strand). Cytogenetic location: 17q25.3.
Variant type: single nucleotide variant.
Coding change: c.470G>A on transcript NM_012418.4 (MANE Select); coding-DNA position 470, G replaced by A.
Protein change: p.Arg157Gln; replaces arginine 157 with glutamine.
Molecular consequence: missense variant.
Genome position (GRCh38, 1-based): chr17:81,529,001, G>A. VCF-style: chr17-81529001-G-A. GRCh37 (hg19) VCF-style: chr17-79496027-G-A.
Other names: c.470G>A, p.Arg157Gln (NM_001077182.3); short protein forms R157Q.
Identifiers: ClinVar variation 939328 (VCV000939328.9), dbSNP rs199574936, ClinGen allele CA8836690.